The following is an entry in ClinVar:

ClinVar aggregate classification (germline): Likely benign (1 of 4 stars; one submission).

Allele frequency attached by ClinVar (database versions not stated): gnomAD exomes 0.00004; TOPMed 0.00015; gnomAD 0.00027; ExAC 0.00003.
gnomAD v4.1: 99 of 1,611,072 alleles (0.0061%); highest among the groups gnomAD compares: Admixed American, 0.14%; no homozygotes.

Submission:

CeGaT Center for Human Genetics Tuebingen
Classification: Likely benign. Last evaluated: 2023-09-01. Review status: criteria provided, single submitter. Criteria: CeGaT Center For Human Genetics Tuebingen Variant Classification Criteria Version 2. Collection method: clinical testing. Allele origin: germline. Affected: yes. Observed: 1 variant allele.
Comment: USP37: BP4

NM_020935.3(USP37):c.2643+3A>G

Gene: USP37 (ubiquitin specific peptidase 37; minus strand). Cytogenetic location: 2q35.
Variant type: single nucleotide variant.
Coding change: c.2643+3A>G on transcript NM_020935.3 (MANE Select); 3 bases into the intron after coding-DNA position 2643, A replaced by G.
Molecular consequence: intron variant.
Genome position (GRCh38, 1-based): chr2:218,459,787, T>C on the plus strand (A>G on the coding strand, the complement: USP37 is on the minus strand). VCF-style: chr2-218459787-T-C. GRCh37 (hg19) VCF-style: chr2-219324510-T-C.
Identifiers: ClinVar variation 2651877 (VCV002651877.24), dbSNP rs766192124, ClinGen allele CA2106906.